The following is an entry in ClinVar:

ClinVar aggregate classification (germline): Pathogenic (1 of 4 stars; one submission).

gnomAD v4.1: 1 of 1,613,406 alleles (0.000062%); highest among the groups gnomAD compares: East Asian, 0.0022%; no homozygotes.

Submission:

Labcorp Genetics (formerly Invitae), Labcorp
Classification: Pathogenic. Last evaluated: 2022-11-24. Review status: criteria provided, single submitter. Criteria: Invitae Variant Classification Sherloc (09022015). Collection method: clinical testing. Allele origin: germline.
Comment: For these reasons, this variant has been classified as Pathogenic. This variant has not been reported in the literature in individuals affected with EMC1-related conditions. This variant is not present in population databases (gnomAD no frequency). This sequence change creates a premature translational stop signal (p.Gln434*) in the EMC1 gene. It is expected to result in an absent or disrupted protein product. Loss-of-function variants in EMC1 are known to be pathogenic (PMID: 26572623, 26942288, 29271071).

Literature cited by the submitters: PubMed 26572623; PubMed 26942288; PubMed 29271071.

NM_015047.3(EMC1):c.1300C>T (p.Gln434Ter)

Genes: EMC1 (ER membrane protein complex subunit 1; minus strand), EMC1-AS1 (EMC1 antisense RNA 1; plus strand). Cytogenetic location: 1p36.13.
Variant type: single nucleotide variant.
Coding change: c.1300C>T on transcript NM_015047.3 (MANE Select); coding-DNA position 1300, C replaced by T.
Protein change: p.Gln434Ter; replaces glutamine 434 with a stop codon.
Molecular consequence: nonsense.
Genome position (GRCh38, 1-based): chr1:19,237,151, G>A on the plus strand (C>T on the coding strand, the complement: EMC1 is on the minus strand). VCF-style: chr1-19237151-G-A. GRCh37 (hg19) VCF-style: chr1-19563645-G-A.
Other names: c.1297C>T, p.Gln433Ter (NM_001271427.2, NM_001375821.1); c.1300C>T, p.Gln434Ter (NM_001271428.2, NM_001375820.1); c.1234C>T, p.Gln412Ter (NM_001271429.2); short protein forms Q412*, Q433*, Q434*.
Identifiers: ClinVar variation 2816411 (VCV002816411.3), dbSNP rs763993023, ClinGen allele CA338765232.